The following is an entry in ClinVar:

NM_014956.5(CEP164):c.833C>T (p.Pro278Leu)

Gene: CEP164 (centrosomal protein 164; plus strand). Cytogenetic location: 11q23.3.
Variant type: single nucleotide variant.
Coding change: c.833C>T on transcript NM_014956.5 (MANE Select); coding-DNA position 833, C replaced by T.
Protein change: p.Pro278Leu; replaces proline 278 with leucine.
Molecular consequence: missense variant.
Genome position (GRCh38, 1-based): chr11:117,371,147, C>T. VCF-style: chr11-117371147-C-T. GRCh37 (hg19) VCF-style: chr11-117241863-C-T.
Other names: c.833C>T, p.Pro278Leu (NM_001271933.2); short protein forms P278L.
Identifiers: ClinVar variation 1476787 (VCV001476787.8), dbSNP rs376214075, ClinGen allele CA382736329.

ClinVar aggregate classification (germline): Uncertain significance (1 of 4 stars; one submission).

Conditions:
Nephronophthisis 15 (NPHP15). Identifiers: Orphanet 3156, MedGen C3541853, MONDO:0013917, OMIM 614845.

Submission:

Labcorp Genetics (formerly Invitae), Labcorp
Classification: Uncertain significance for Nephronophthisis 15. Last evaluated: 2022-07-19. Review status: criteria provided, single submitter. Criteria: Invitae Variant Classification Sherloc (09022015). Collection method: clinical testing. Allele origin: germline.
Comment: This sequence change replaces proline, which is neutral and non-polar, with leucine, which is neutral and non-polar, at codon 278 of the CEP164 protein (p.Pro278Leu). In summary, the available evidence is currently insufficient to determine the role of this variant in disease. Therefore, it has been classified as a Variant of Uncertain Significance. Algorithms developed to predict the effect of missense changes on protein structure and function are either unavailable or do not agree on the potential impact of this missense change (SIFT: "Deleterious"; PolyPhen-2: "Probably Damaging"; Align-GVGD: "Class C0"). ClinVar contains an entry for this variant (Variation ID: 1476787). This variant has not been reported in the literature in individuals affected with CEP164-related conditions. This variant is not present in population databases (gnomAD no frequency).